The following is an entry in ClinVar:

ClinVar aggregate classification (germline): Uncertain significance (1 of 4 stars; one submission).

Submission:

GeneDx
Classification: Uncertain significance. Last evaluated: 2019-05-01. Review status: criteria provided, single submitter. Criteria: GeneDx Variant Classification Process June 2021. Collection method: clinical testing. Allele origin: germline. Affected: yes.
Comment: Has not been previously published as pathogenic or benign to our knowledge; Not observed in large population cohorts (Lek et al., 2016); In silico analysis, which includes protein predictors and evolutionary conservation, supports a deleterious effect

NM_002471.4(MYH6):c.3230A>G (p.Gln1077Arg)

Gene: MYH6 (myosin heavy chain 6; minus strand). Cytogenetic location: 14q11.2.
Variant type: single nucleotide variant.
Coding change: c.3230A>G on transcript NM_002471.4 (MANE Select); coding-DNA position 3230, A replaced by G.
Protein change: p.Gln1077Arg; replaces glutamine 1077 with arginine.
Molecular consequence: missense variant.
Genome position (GRCh38, 1-based): chr14:23,392,933, T>C on the plus strand (A>G on the coding strand, the complement: MYH6 is on the minus strand). VCF-style: chr14-23392933-T-C. GRCh37 (hg19) VCF-style: chr14-23862142-T-C.
Other names: short protein forms Q1077R.
Identifiers: ClinVar variation 1304269 (VCV001304269.2), dbSNP rs377716628, ClinGen allele CA389008913.